The following is an entry in ClinVar:

ClinVar aggregate classification (germline): Pathogenic (1 of 4 stars; one submission).

Conditions:
Joubert syndrome. Also called: CEREBELLOPARENCHYMAL DISORDER IV; JOUBERT-BOLTSHAUSER SYNDROME; Familial aplasia of the vermis. Identifiers: Orphanet 475, MedGen C5979921, MONDO:0018772.
Nephronophthisis. Also called: Juvenile Nephronophthisis. Identifiers: Orphanet 655, MedGen C0687120, MONDO:0019005, HP:0000090.
Meckel-Gruber syndrome. Also called: DYSENCEPHALIA SPLANCHNOCYSTICA; GRUBER SYNDROME; Dysencephalia splachnocystica. Identifiers: Orphanet 564, MedGen C0265215, MONDO:0018921.

Submission:

Labcorp Genetics (formerly Invitae), Labcorp
Classification: Pathogenic for Joubert syndrome; Meckel-Gruber syndrome; Nephronophthisis. Last evaluated: 2023-10-14. Review status: criteria provided, single submitter. Criteria: Invitae Variant Classification Sherloc (09022015). Collection method: clinical testing. Allele origin: germline.
Comment: This sequence change creates a premature translational stop signal (p.Asn242Lysfs*14) in the CEP290 gene. It is expected to result in an absent or disrupted protein product. Loss-of-function variants in CEP290 are known to be pathogenic (PMID: 16909394, 17345604, 20690115). This variant is not present in population databases (gnomAD no frequency). This variant has not been reported in the literature in individuals affected with CEP290-related conditions. For these reasons, this variant has been classified as Pathogenic.

Literature cited by the submitters: PubMed 16909394; PubMed 17345604; PubMed 20690115.

NM_025114.4(CEP290):c.725dup (p.Asn242fs)

Gene: CEP290 (centrosomal protein 290; minus strand). Cytogenetic location: 12q21.32.
Variant type: Duplication.
Coding change: c.725dup on transcript NM_025114.4 (MANE Select); coding-DNA position 725, one base duplicated (A; older notation c.725dupA).
Protein change: p.Asn242fs; shifts the reading frame from asparagine 242.
Molecular consequence: frameshift variant.
Genome position (GRCh38, 1-based): chr12:88,129,821, T duplicated on the plus strand (A on the coding strand, the reverse complement: CEP290 is on the minus strand); the first of 6 consecutive T bases (chr12:88,129,821-88,129,826); duplicating any one gives the same sequence. VCF-style (leftmost placement, unchanged base first): chr12-88129820-A-AT. GRCh37 (hg19) VCF-style: chr12-88523597-A-AT.
Other names: short protein forms N242fs.
Identifiers: ClinVar variation 2952869 (VCV002952869.3), dbSNP rs1440468666, ClinGen allele CA2620113366.